The following is an entry in ClinVar:

ClinVar aggregate classification (germline): Pathogenic (1 of 4 stars; one submission).

Conditions:
Familial adenomatous polyposis 1 (FAP1). Also called: POLYPOSIS, ADENOMATOUS INTESTINAL; FAMILIAL ADENOMATOUS POLYPOSIS 1, ATTENUATED. Identifiers: MedGen C2713442, MONDO:0021056, OMIM 175100. Disease mechanism: loss of function.

Submission:

Myriad Genetics, Inc.
Classification: Pathogenic for Familial adenomatous polyposis 1. Last evaluated: 2023-05-03. Review status: criteria provided, single submitter. Criteria: Myriad Autosomal Dominant, Autosomal Recessive and X-Linked Classification Criteria (2023). Collection method: clinical testing. Allele origin: unknown.
Comment: This variant is considered pathogenic. This variant creates a frameshift predicted to result in premature protein truncation.

NM_000038.6(APC):c.1767_1783del (p.Leu589fs)

Gene: APC (APC regulator of Wnt signaling pathway; plus strand). Cytogenetic location: 5q22.2.
Variant type: Deletion.
Coding change: c.1767_1783del on transcript NM_000038.6 (MANE Select); coding-DNA positions 1767 to 1783, 17 bases deleted (GAGTGCCTTATGGAATT).
Protein change: p.Leu589fs; shifts the reading frame from leucine 589.
Molecular consequence: frameshift variant. On other transcripts: non-coding transcript variant (2).
Genome position (GRCh38, 1-based): chr5:112,834,974-112,834,990, GAGTGCCTTATGGAATT deleted; deleting any 17 consecutive bases within chr5:112,834,971-112,834,990 gives the same sequence; the c. name uses the placement nearest the transcript's 3' end. VCF-style (leftmost placement, unchanged base first): chr5-112834970-TATTGAGTGCCTTATGGA-T. GRCh37 (hg19) VCF-style: chr5-112170667-TATTGAGTGCCTTATGGA-T.
Other names: c.1767_1783del, p.Leu589fs (NM_001127510.3, NM_001354895.2, NM_001407450.1); c.1713_1729del, p.Leu571fs (NM_001127511.3); c.1821_1837del, p.Leu607fs (NM_001354896.2, NM_001407447.1, NM_001407448.1 and 1 more transcripts); c.1797_1813del, p.Leu599fs (NM_001354897.2); c.1692_1708del, p.Leu564fs (NM_001354898.2); c.1683_1699del, p.Leu561fs (NM_001354899.2); c.1644_1660del, p.Leu548fs (NM_001354900.2); c.1590_1606del, p.Leu530fs (NM_001354901.2, NM_001407453.1); and 11 more; short protein forms L205fs, L306fs, L429fs, L460fs, L463fs, L488fs, L498fs, L506fs.
Identifiers: ClinVar variation 2583624 (VCV002583624.1), dbSNP rs2533332574, ClinGen allele CA2582341315.